The following is an entry in ClinVar:

ClinVar aggregate classification (germline): Likely benign (0 of 4 stars; one submission).

Conditions:
REV3L-related disorder. Also called: REV3L-related condition.

Allele frequency attached by ClinVar (database versions not stated): gnomAD exomes 0.00001; ExAC 0.00002; gnomAD 0.00003; TOPMed 0.00003.
gnomAD v4.1: 14 of 1,609,640 alleles (0.00087%); highest among the groups gnomAD compares: East Asian, 0.031%; no homozygotes.

Submission:

PreventionGenetics, part of Exact Sciences
Classification: Likely benign for REV3L-related condition. Last evaluated: 2019-03-21. Review status: no assertion criteria provided. Collection method: clinical testing. Allele origin: germline.
Comment: This variant is classified as likely benign based on ACMG/AMP sequence variant interpretation guidelines (Richards et al. 2015 PMID: 25741868, with internal and published modifications).

NM_001372078.1(REV3L):c.315A>T (p.Ser105=)

Gene: REV3L (REV3 like, DNA directed polymerase zeta catalytic subunit; minus strand). Cytogenetic location: 6q21.
Variant type: single nucleotide variant.
Coding change: c.315A>T on transcript NM_001372078.1 (MANE Select); coding-DNA position 315, A replaced by T.
Protein change: p.Ser105=; no amino-acid change (serine 105 retained).
Molecular consequence: synonymous variant.
Genome position (GRCh38, 1-based): chr6:111,416,297, T>A on the plus strand (A>T on the coding strand, the complement: REV3L is on the minus strand). VCF-style: chr6-111416297-T-A. GRCh37 (hg19) VCF-style: chr6-111737500-T-A.
Other names: c.81A>T, p.Ser27= (NM_001286431.2, NM_001286432.2); c.315A>T, p.Ser105= (NM_002912.5).
Identifiers: ClinVar variation 3057508 (VCV003057508.2), dbSNP rs777224158, ClinGen allele CA3962889.